The following is an entry in ClinVar:

NC_012920.1(MT-ND5):m.14021T>C

Gene: MT-ND5 (mitochondrially encoded NADH dehydrogenase 5; plus strand).
Variant type: single nucleotide variant.
Genome position: chrM-14021-T-C.
Identifiers: ClinVar variation 1709050 (VCV001709050.2), dbSNP rs2520741634, ClinGen allele CA414820534.

ClinVar aggregate classification (germline): Uncertain significance (1 of 4 stars; one submission).

Conditions:
MELAS syndrome (MELAS). Also called: Juvenile myopathy, encephalopathy, lactic acidosis, stroke. Identifiers: Orphanet 550, MedGen C0162671, MONDO:0010789, OMIM 540000.

Submission:

MGZ Medical Genetics Center
Classification: Uncertain significance for MELAS syndrome. Last evaluated: 2022-01-18. Review status: criteria provided, single submitter. Criteria: ACMG Guidelines, 2015. Collection method: clinical testing. Allele origin: germline. Affected: yes. Observed: 1 variant allele.
Comment: ACMG criteria applied: PM2_SUP, PP3